The following is an entry in ClinVar:

ClinVar aggregate classification (germline): Uncertain significance (1 of 4 stars; one submission).

Conditions:
Charcot-Marie-Tooth disease axonal type 2O. Also called: CHARCOT-MARIE-TOOTH NEUROPATHY, AXONAL, TYPE 2O; CHARCOT-MARIE-TOOTH DISEASE, AXONAL, AUTOSOMAL DOMINANT, TYPE 2O; Charcot-Marie-Tooth Neuropathy Type 2O; Charcot-Marie-Tooth disease, axonal, type 20. Identifiers: Orphanet 284232, MedGen C3280220, MONDO:0013644, OMIM 614228.

Allele frequency attached by ClinVar (database versions not stated): gnomAD exomes below 0.00001; ExAC 0.00001.
gnomAD v4.1: 2 of 1,614,126 alleles (0.00012%); highest among the groups gnomAD compares: Non-Finnish European, 0.000085%; no homozygotes.

Submission:

Labcorp Genetics (formerly Invitae), Labcorp
Classification: Uncertain significance for Charcot-Marie-Tooth disease axonal type 2O. Last evaluated: 2023-06-05. Review status: criteria provided, single submitter. Criteria: Invitae Variant Classification Sherloc (09022015). Collection method: clinical testing. Allele origin: germline.
Comment: This variant is present in population databases (rs750222078, gnomAD 0.01%). This sequence change replaces isoleucine, which is neutral and non-polar, with threonine, which is neutral and polar, at codon 3290 of the DYNC1H1 protein (p.Ile3290Thr). ClinVar contains an entry for this variant (Variation ID: 1483415). This variant has not been reported in the literature in individuals affected with DYNC1H1-related conditions. Advanced modeling of protein sequence and biophysical properties (such as structural, functional, and spatial information, amino acid conservation, physicochemical variation, residue mobility, and thermodynamic stability) has been performed at Invitae for this missense variant, however the output from this modeling did not meet the statistical confidence thresholds required to predict the impact of this variant on DYNC1H1 protein function. In summary, the available evidence is currently insufficient to determine the role of this variant in disease. Therefore, it has been classified as a Variant of Uncertain Significance.

NM_001376.5(DYNC1H1):c.9869T>C (p.Ile3290Thr)

Gene: DYNC1H1 (dynein cytoplasmic 1 heavy chain 1; plus strand). Cytogenetic location: 14q32.31.
Variant type: single nucleotide variant.
Coding change: c.9869T>C on transcript NM_001376.5 (MANE Select); coding-DNA position 9869, T replaced by C.
Protein change: p.Ile3290Thr; replaces isoleucine 3290 with threonine.
Molecular consequence: missense variant.
Genome position (GRCh38, 1-based): chr14:102,030,268, T>C. VCF-style: chr14-102030268-T-C. GRCh37 (hg19) VCF-style: chr14-102496605-T-C.
Other names: short protein forms I3290T.
Identifiers: ClinVar variation 1483415 (VCV001483415.8), dbSNP rs750222078, ClinGen allele CA7353310.